The following is an entry in ClinVar:

NC_000011.9:g.(?_57364265)_(57367645_?)del

Gene: SERPING1 (serpin family G member 1; plus strand). Cytogenetic location: 11q12.1.
Variant type: Deletion.
Identifiers: ClinVar variation 3244709 (VCV003244709.1).

ClinVar aggregate classification (germline): Pathogenic (1 of 4 stars; one submission).

Submission:

Labcorp Genetics (formerly Invitae), Labcorp
Classification: Pathogenic. Last evaluated: 2023-11-28. Review status: criteria provided, single submitter. Criteria: Invitae Variant Classification Sherloc (09022015). Collection method: clinical testing. Allele origin: unknown.
Comment: This variant results in the deletion of exons 1-2 and part of exon 3 (c.-953_345del) of the SERPING1 gene. It is expected to result in an absent or disrupted protein product. Loss-of-function variants in SERPING1 are known to be pathogenic (PMID: 11112899, 24456027). A similar copy number variant has been observed in individual(s) with hereditary angioedema (PMID: 1656734). For these reasons, this variant has been classified as Pathogenic.

Literature cited by the submitters: PubMed 11112899; PubMed 24456027; PubMed 1656734.